The following is an entry in ClinVar:

NM_000038.6(APC):c.3454dup (p.Gln1152fs)

Gene: APC (APC regulator of Wnt signaling pathway; plus strand). Cytogenetic location: 5q22.2.
Variant type: Duplication.
Coding change: c.3454dup on transcript NM_000038.6 (MANE Select); coding-DNA position 3454, one base duplicated (C; older notation c.3454dupC).
Protein change: p.Gln1152fs; shifts the reading frame from glutamine 1152.
Molecular consequence: frameshift variant. On other transcripts: non-coding transcript variant (2).
Genome position (GRCh38, 1-based): chr5:112,839,048, C duplicated. VCF-style (leftmost placement, unchanged base first): chr5-112839047-A-AC. GRCh37 (hg19) VCF-style: chr5-112174744-A-AC.
Other names: c.3454dup, p.Gln1152fs (NM_001127510.3, NM_001354895.2, NM_001407450.1); c.3400dup, p.Gln1134fs (NM_001127511.3); c.3508dup, p.Gln1170fs (NM_001354896.2, NM_001407447.1, NM_001407448.1 and 1 more transcripts); c.3484dup, p.Gln1162fs (NM_001354897.2); c.3379dup, p.Gln1127fs (NM_001354898.2); c.3370dup, p.Gln1124fs (NM_001354899.2); c.3331dup, p.Gln1111fs (NM_001354900.2); c.3277dup, p.Gln1093fs (NM_001354901.2, NM_001407453.1); and 11 more; short protein forms Q1023fs, Q1026fs, Q1051fs, Q1061fs, Q1069fs, Q1093fs, Q1111fs, Q1124fs.
Identifiers: ClinVar variation 2583936 (VCV002583936.2), dbSNP rs2533499387, ClinGen allele CA2582341514.

ClinVar aggregate classification (germline): Pathogenic (1 of 4 stars; one submission).

Conditions:
Familial adenomatous polyposis 1 (FAP1). Also called: FAMILIAL ADENOMATOUS POLYPOSIS 1, ATTENUATED; POLYPOSIS, ADENOMATOUS INTESTINAL. Identifiers: MedGen C2713442, MONDO:0021056, OMIM 175100. Disease mechanism: loss of function.

Submission:

Myriad Genetics, Inc.
Classification: Pathogenic for Familial adenomatous polyposis 1. Last evaluated: 2023-05-08. Review status: criteria provided, single submitter. Criteria: Myriad Autosomal Dominant, Autosomal Recessive and X-Linked Classification Criteria (2023). Collection method: clinical testing. Allele origin: unknown.
Comment: This variant is considered pathogenic. This variant creates a frameshift predicted to result in premature protein truncation.